The following is an entry in ClinVar:

ClinVar aggregate classification (germline): Conflicting classifications of pathogenicity. Review status: criteria provided, conflicting classifications (1 of 4 stars). 2 submissions from 2 submitters: Uncertain significance (1); Likely benign (1). Last evaluated 2025-06-18.

Conditions:
NF1-related disorder. Also called: NF1-related condition. Identifiers: MedGen CN379171.

Submissions (2):

PreventionGenetics, part of Exact Sciences
Classification: Likely benign for NF1-related condition. Last evaluated: 2025-06-18. Review status: criteria provided, single submitter. Criteria: ACMG Guidelines, 2015. Collection method: clinical testing. Allele origin: germline.
Comment: This variant is classified as likely benign based on ACMG/AMP sequence variant interpretation guidelines (Richards et al. 2015 PMID: 25741868, with internal and published modifications).

Quest Diagnostics Nichols Institute San Juan Capistrano
Classification: Uncertain significance. Last evaluated: 2025-03-21. Review status: criteria provided, single submitter. Criteria: Quest Diagnostics criteria. Collection method: clinical testing. Allele origin: unknown.

NM_001042492.3(NF1):c.6981G>A (p.Glu2327=)

Gene: NF1 (neurofibromin 1; plus strand). Cytogenetic location: 17q11.2.
Variant type: single nucleotide variant.
Coding change: c.6981G>A on transcript NM_001042492.3 (MANE Select); coding-DNA position 6981, G replaced by A.
Protein change: p.Glu2327=; no amino-acid change (glutamic acid 2327 retained).
Molecular consequence: synonymous variant.
Genome position (GRCh38, 1-based): chr17:31,340,564, G>A. VCF-style: chr17-31340564-G-A. GRCh37 (hg19) VCF-style: chr17-29667582-G-A.
Other names: c.6918G>A, p.Glu2306= (NM_000267.4).
Identifiers: ClinVar variation 4532917 (VCV004532917.2).
Genomic context (GRCh38, chr17:31,340,564, plus strand): 5'-GGACTCGCCTCTGCACAAAGCCCTCTTTTGGGTAGCTGTGGCTGTGCTGCAGCTTGATGA[G>A]GTCAACTTGTATTCAGCAGGTACCGCACTTCTTGAACAAAACCTGCATACTTTAGATAGT-3'
Protein context (NP_001035957.1, residues 2317-2337): WVAVAVLQLD[Glu2327=]VNLYSAGTAL